The following is an entry in ClinVar:

NM_001394062.1(MACF1):c.172-3C>T

Gene: MACF1 (microtubule actin crosslinking factor 1; plus strand). Cytogenetic location: 1p34.3.
Variant type: single nucleotide variant.
Coding change: c.172-3C>T on transcript NM_001394062.1 (MANE Select); 3 bases into the intron before coding-DNA position 172, C replaced by T.
Molecular consequence: intron variant.
Genome position (GRCh38, 1-based): chr1:39,250,011, C>T. VCF-style: chr1-39250011-C-T. GRCh37 (hg19) VCF-style: chr1-39715683-C-T.
Other names: c.283-3C>T (NM_012090.5).
Identifiers: ClinVar variation 2886767 (VCV002886767.4), dbSNP rs541379944, ClinGen allele CA779111.

ClinVar aggregate classification (germline): Conflicting classifications of pathogenicity. Review status: criteria provided, conflicting classifications (1 of 4 stars). 2 submissions from 2 submitters: Uncertain significance (1); Likely benign (1). Last evaluated 2024-08-11.

Allele frequency attached by ClinVar (database versions not stated): gnomAD 0.00003; gnomAD exomes 0.00003; TOPMed 0.00004; ExAC 0.00009; 1000 Genomes Project 30x 0.00016; 1000 Genomes Project 0.00020.
gnomAD v4.1: 42 of 1,591,362 alleles (0.0026%); highest among the groups gnomAD compares: East Asian, 0.059%; no homozygotes.

Submissions (2):

Blueprint Genetics
Classification: Likely benign. Last evaluated: 2024-08-11. Review status: criteria provided, single submitter. Criteria: ACMG Guidelines, 2015. Collection method: clinical testing. Allele origin: germline.

Labcorp Genetics (formerly Invitae), Labcorp
Classification: Uncertain significance. Last evaluated: 2024-07-07. Review status: criteria provided, single submitter. Criteria: Invitae Variant Classification Sherloc (09022015). Collection method: clinical testing. Allele origin: germline.
Comment: This sequence change falls in intron 2 of the MACF1 gene. It does not directly change the encoded amino acid sequence of the MACF1 protein. It affects a nucleotide within the consensus splice site. This variant is present in population databases (rs541379944, gnomAD 0.07%), and has an allele count higher than expected for a pathogenic variant. This variant has not been reported in the literature in individuals affected with MACF1-related conditions. Variants that disrupt the consensus splice site are a relatively common cause of aberrant splicing (PMID: 17576681, 9536098). Algorithms developed to predict the effect of sequence changes on RNA splicing suggest that this variant is not likely to affect RNA splicing. In summary, the available evidence is currently insufficient to determine the role of this variant in disease. Therefore, it has been classified as a Variant of Uncertain Significance.

Literature cited by the submitters: PubMed 17576681 (cited by Labcorp Genetics (formerly Invitae), Labcorp); PubMed 9536098 (cited by Labcorp Genetics (formerly Invitae), Labcorp).